The following is an entry in ClinVar:

NM_001033855.3(DCLRE1C):c.586C>T (p.Arg196Trp)

Gene: DCLRE1C (DNA cross-link repair 1C; minus strand). Cytogenetic location: 10p13.
Variant type: single nucleotide variant.
Coding change: c.586C>T on transcript NM_001033855.3 (MANE Select); coding-DNA position 586, C replaced by T.
Protein change: p.Arg196Trp; replaces arginine 196 with tryptophan.
Molecular consequence: missense variant. On other transcripts: non-coding transcript variant (4).
Genome position (GRCh38, 1-based): chr10:14,934,472, G>A on the plus strand (C>T on the coding strand, the complement: DCLRE1C is on the minus strand). VCF-style: chr10-14934472-G-A. GRCh37 (hg19) VCF-style: chr10-14976471-G-A.
Other names: NM_001033855.3(DCLRE1C):c.586C>T; p.Arg196Trp; c.226C>T, p.Arg76Trp (NM_001033857.3, NM_001033858.3, NM_001289077.2 and 2 more transcripts); c.241C>T, p.Arg81Trp (NM_001289076.2, NM_001289078.2, NM_001350966.2 and 1 more transcripts); c.586C>T, p.Arg196Trp (NM_001350965.2); short protein forms R196W, R76W, R81W.
Identifiers: ClinVar variation 576525 (VCV000576525.8), dbSNP rs766699328, ClinGen allele CA5416774.

ClinVar aggregate classification (germline): Uncertain significance. Review status: reviewed by expert panel (3 of 4 stars). 4 submissions from 4 submitters: Uncertain significance (1). 3 of the submissions do not count toward it. Last evaluated 2024-06-13.

Conditions:
Athabaskan severe combined immunodeficiency (SCIDA). Also called: Severe combined immunodeficiency, athabascan-type. Identifiers: MedGen C1865370.
Severe combined immunodeficiency due to DCLRE1C deficiency (RS-SCID). Also called: SCID, AUTOSOMAL RECESSIVE, T CELL-NEGATIVE, B CELL-NEGATIVE, NK CELL-POSITIVE, WITH SENSITIVITY TO IONIZING RADIATION. Identifiers: Orphanet 275, MedGen C1865371, MONDO:0011225, OMIM 602450.

Allele frequency attached by ClinVar (database versions not stated): gnomAD exomes 0.00002 and 0.00001; gnomAD 0.00001; ExAC 0.00002; TOPMed 0.00003.
gnomAD v4.1: 19 of 1,614,008 alleles (0.0012%); highest among the groups gnomAD compares: Admixed American, 0.0067%; no homozygotes.

Submissions (4):

ClinGen Severe Combined Immunodeficiency Variant Curation Expert Panel, ClinGen
Classification: Uncertain significance for Severe combined immunodeficiency due to DCLRE1C deficiency. Last evaluated: 2024-06-13. Review status: reviewed by expert panel. Criteria: ClinGen SCID ACMG Specifications DCLRE1C V1.0.0. Collection method: curation. Allele origin: germline. Inheritance: Autosomal recessive inheritance.
Comment: The c.586C>T (NM_001033855.3) variant in DCLRE1C is a missense variant predicted to cause the substitution of Arginine by Tryptophan at amino acid 196 (p.Arg196Trp). The filtering allele frequency (the upper threshold of the 95% CI of 4/59978 alleles) of the c.586C>T variant in DCLRE1C is 0.00002256 for Admixed American chromosomes by gnomAD v4, which is lower than the ClinGen SCID VCEP threshold (<0.00003266) for PM2_Supporting, and therefore meets this criterion (PM2_Supporting). No homozygotes have been observed in gnomAD. To our knowledge, this variant has not been reported in the literature in individuals affected with SCID/DCLRE1C-related conditions or in functional studies. In summary, this variant meets the criteria to be classified as a variant of uncertain significance for autosomal recessive severe combined immunodeficiency due to DCLRE1C deficiency based on the ACMG/AMP criteria applied, as specified by the ClinGen SCID VCEP: PM2_Supporting (VCEP specifications version 1).

Labcorp Genetics (formerly Invitae), Labcorp
Classification: Uncertain significance for Athabaskan severe combined immunodeficiency. Last evaluated: 2024-10-28. Review status: criteria provided, single submitter. Criteria: Invitae Variant Classification Sherloc (09022015). Collection method: clinical testing. Allele origin: germline. Not counted in ClinVar's aggregate classification.
Comment: This sequence change replaces arginine, which is basic and polar, with tryptophan, which is neutral and slightly polar, at codon 196 of the DCLRE1C protein (p.Arg196Trp). This variant is present in population databases (rs766699328, gnomAD 0.02%). This variant has not been reported in the literature in individuals affected with DCLRE1C-related conditions. ClinVar contains an entry for this variant (Variation ID: 576525). Invitae Evidence Modeling of protein sequence and biophysical properties (such as structural, functional, and spatial information, amino acid conservation, physicochemical variation, residue mobility, and thermodynamic stability) indicates that this missense variant is not expected to disrupt DCLRE1C protein function with a negative predictive value of 80%. In summary, the available evidence is currently insufficient to determine the role of this variant in disease. Therefore, it has been classified as a Variant of Uncertain Significance.

Blueprint Genetics
Classification: Uncertain significance. Last evaluated: 2024-08-28. Review status: criteria provided, single submitter. Criteria: ACMG Guidelines, 2015. Collection method: clinical testing. Allele origin: germline. Not counted in ClinVar's aggregate classification.

Natera, Inc.
Classification: Uncertain significance for Athabascan severe combined immunodeficiency. Last evaluated: 2020-06-12. Review status: no assertion criteria provided. Collection method: clinical testing. Allele origin: germline. Not counted in ClinVar's aggregate classification.